The following is an entry in ClinVar:

ClinVar aggregate classification (germline): Benign/Likely benign. Review status: criteria provided, multiple submitters, no conflicts (2 of 4 stars). 3 submissions from 3 submitters: Benign (1); Likely benign (1). 1 of the submissions does not count toward it. Last evaluated 2026-01-16.

Conditions:
GPD1-related disorder. Also called: GPD1-related condition.

Allele frequency attached by ClinVar (database versions not stated): TOPMed 0.00018; gnomAD 0.00032; ExAC 0.00122; 1000 Genomes Project 30x 0.00125; 1000 Genomes Project 0.00140.
gnomAD v4.1: 946 of 1,583,652 alleles (0.06%); highest among the groups gnomAD compares: South Asian, 0.76%; 6 homozygotes.

Submissions (3):

Labcorp Genetics (formerly Invitae), Labcorp
Classification: Benign. Last evaluated: 2026-01-16. Review status: criteria provided, single submitter. Criteria: Invitae Variant Classification Sherloc (09022015). Collection method: clinical testing. Allele origin: germline.

Blueprint Genetics
Classification: Likely benign. Last evaluated: 2024-11-11. Review status: criteria provided, single submitter. Criteria: ACMG Guidelines, 2015. Collection method: clinical testing. Allele origin: germline.

PreventionGenetics, part of Exact Sciences
Classification: Benign for GPD1-related condition. Last evaluated: 2019-11-16. Review status: no assertion criteria provided. Collection method: clinical testing. Allele origin: germline. Not counted in ClinVar's aggregate classification.
Comment: This variant is classified as benign based on ACMG/AMP sequence variant interpretation guidelines (Richards et al. 2015 PMID: 25741868, with internal and published modifications).

NM_005276.4(GPD1):c.846+10G>A

Gene: GPD1 (glycerol-3-phosphate dehydrogenase 1; plus strand). Cytogenetic location: 12q13.12.
Variant type: single nucleotide variant.
Coding change: c.846+10G>A on transcript NM_005276.4 (MANE Select); 10 bases into the intron after coding-DNA position 846, G replaced by A.
Molecular consequence: intron variant.
Genome position (GRCh38, 1-based): chr12:50,107,810, G>A. VCF-style: chr12-50107810-G-A. GRCh37 (hg19) VCF-style: chr12-50501593-G-A.
Other names: c.777+10G>A (NM_001257199.2).
Identifiers: ClinVar variation 703251 (VCV000703251.12), dbSNP rs200453933, ClinGen allele CA6561767.